The following is an entry in ClinVar:

NM_005045.4(RELN):c.292G>A (p.Val98Ile)

Gene: RELN (reelin; minus strand). Cytogenetic location: 7q22.1.
Variant type: single nucleotide variant.
Coding change: c.292G>A on transcript NM_005045.4 (MANE Select); coding-DNA position 292, G replaced by A.
Protein change: p.Val98Ile; replaces valine 98 with isoleucine.
Molecular consequence: missense variant.
Genome position (GRCh38, 1-based): chr7:103,917,120, C>T on the plus strand (G>A on the coding strand, the complement: RELN is on the minus strand). VCF-style: chr7-103917120-C-T. GRCh37 (hg19) VCF-style: chr7-103557567-C-T.
Other names: c.292G>A, p.Val98Ile (NM_173054.3); short protein forms V98I.
Identifiers: ClinVar variation 2951863 (VCV002951863.3), dbSNP rs1795500299, ClinGen allele CA368931058.

ClinVar aggregate classification (germline): Uncertain significance (1 of 4 stars; one submission).

Conditions:
Norman-Roberts syndrome (LIS2). Also called: Lissencephaly 2 (Norman-Roberts type). Identifiers: Orphanet 89844, MedGen C0796089, MONDO:0009760, OMIM 257320.
Familial temporal lobe epilepsy 7. Identifiers: Orphanet 101046, MedGen C4225327, MONDO:0014639, OMIM 616436.

Submission:

Labcorp Genetics (formerly Invitae), Labcorp
Classification: Uncertain significance for Familial temporal lobe epilepsy 7; Norman-Roberts syndrome. Last evaluated: 2023-09-11. Review status: criteria provided, single submitter. Criteria: Invitae Variant Classification Sherloc (09022015). Collection method: clinical testing. Allele origin: germline.
Comment: In summary, the available evidence is currently insufficient to determine the role of this variant in disease. Therefore, it has been classified as a Variant of Uncertain Significance. Advanced modeling of protein sequence and biophysical properties (such as structural, functional, and spatial information, amino acid conservation, physicochemical variation, residue mobility, and thermodynamic stability) performed at Invitae indicates that this missense variant is not expected to disrupt RELN protein function. This variant has not been reported in the literature in individuals affected with RELN-related conditions. This variant is not present in population databases (gnomAD no frequency). This sequence change replaces valine, which is neutral and non-polar, with isoleucine, which is neutral and non-polar, at codon 98 of the RELN protein (p.Val98Ile).